The following is an entry in ClinVar:

ClinVar aggregate classification (germline): Uncertain significance (1 of 4 stars; one submission).

Submission:

Dasa
Classification: Uncertain significance. Last evaluated: 2026-04-20. Review status: criteria provided, single submitter. Criteria: DASA Assertion Criteria. Collection method: clinical testing. Allele origin: germline.
Comment: NM_032242.4(PLXNA1):c.1443G>C (p.Gln481His) is a missense variant that results in the substitution of glutamine with histidine. This variant is rare in population databases. Computational prediction algorithms are consistent with a benign effect. The currently available literature and clinical evidence are not sufficient to establish a definitive association between this variant and the reported condition. Therefore, this variant is classified as a variant of uncertain significance.

NM_032242.4(PLXNA1):c.1443G>C (p.Gln481His)

Gene: PLXNA1 (plexin A1; plus strand). Cytogenetic location: 3q21.3.
Variant type: single nucleotide variant.
Coding change: c.1443G>C on transcript NM_032242.4 (MANE Select); coding-DNA position 1443, G replaced by C.
Protein change: p.Gln481His; replaces glutamine 481 with histidine.
Molecular consequence: missense variant.
Genome position (GRCh38, 1-based): chr3:127,003,395, G>C. VCF-style: chr3-127003395-G-C. GRCh37 (hg19) VCF-style: chr3-126722238-G-C.
Other names: short protein forms Q481H.
Identifiers: ClinVar variation 5020670 (VCV005020670.1).